The following is an entry in ClinVar:

ClinVar aggregate classification (germline): Uncertain significance (1 of 4 stars; one submission).

Conditions:
Mitochondrial complex II deficiency, nuclear type 1. Also called: SUCCINATE CoQ REDUCTASE DEFICIENCY. Identifiers: Orphanet 3208, MedGen C5700310, MONDO:0100294, OMIM 252011.
Pheochromocytoma/paraganglioma syndrome 5. Also called: Paragangliomas 5; SDHA-Related Hereditary Paraganglioma-Pheochromocytoma Syndrome. Identifiers: Orphanet 29072, MedGen C3279992, MONDO:0013602, OMIM 614165.

Submission:

Labcorp Genetics (formerly Invitae), Labcorp
Classification: Uncertain significance for Pheochromocytoma/paraganglioma syndrome 5; Mitochondrial complex II deficiency, nuclear type 1. Last evaluated: 2021-12-05. Review status: criteria provided, single submitter. Criteria: Invitae Variant Classification Sherloc (09022015). Collection method: clinical testing. Allele origin: germline.
Comment: In summary, the available evidence is currently insufficient to determine the role of this variant in disease. Therefore, it has been classified as a Variant of Uncertain Significance. Experimental studies and prediction algorithms are not available or were not evaluated, and the functional significance of this variant is currently unknown. This variant has not been reported in the literature in individuals affected with SDHA-related conditions. This variant is not present in population databases (gnomAD no frequency). This sequence change creates a premature translational stop signal (p.Thr648Ilefs*2) in the SDHA gene. While this is not anticipated to result in nonsense mediated decay, it is expected to disrupt the last 17 amino acid(s) of the SDHA protein.

NM_004168.4(SDHA):c.1943del (p.Thr648fs)

Gene: SDHA (succinate dehydrogenase complex flavoprotein subunit A; plus strand). Cytogenetic location: 5p15.33.
Variant type: Deletion.
Coding change: c.1943del on transcript NM_004168.4 (MANE Select); coding-DNA position 1943, one base deleted (C; older notation c.1943delC).
Protein change: p.Thr648fs; shifts the reading frame from threonine 648.
Molecular consequence: frameshift variant.
Genome position (GRCh38, 1-based): chr5:256,368, C deleted. VCF-style (leftmost placement, unchanged base first): chr5-256367-AC-A. GRCh37 (hg19) VCF-style: chr5-256482-AC-A.
Other names: c.1799del, p.Thr600fs (NM_001294332.2); c.1700del, p.Thr567fs (NM_001330758.2); short protein forms T567fs, T600fs, T648fs.
Identifiers: ClinVar variation 1468987 (VCV001468987.6), dbSNP rs2126645882, ClinGen allele CA2573139543.